The following is an entry in ClinVar:

ClinVar aggregate classification (germline): Benign/Likely benign. Review status: criteria provided, multiple submitters, no conflicts (2 of 4 stars). 3 submissions from 3 submitters: Benign (1); Likely benign (2). Last evaluated 2026-01-16.

Conditions:
Hereditary cancer-predisposing syndrome. Also called: Tumor predisposition; Hereditary neoplastic syndrome; Neoplastic Syndromes, Hereditary; Hereditary Cancer Syndrome. Identifiers: Orphanet 140162, MedGen C0027672, MeSH D009386, MONDO:0015356.
Hereditary diffuse gastric adenocarcinoma (HDGC). Also called: DIFFUSE GASTRIC AND LOBULAR BREAST CANCER SYNDROME. Identifiers: Orphanet 26106, MedGen C1708349, MONDO:0007648, OMIM 137215.

Allele frequency attached by ClinVar (database versions not stated): gnomAD 0.00001; TOPMed 0.00001; gnomAD exomes 0.00003 and 0.00004; ExAC 0.00004.
gnomAD v4.1: 51 of 1,613,974 alleles (0.0032%); highest among the groups gnomAD compares: Middle Eastern, 0.049%; 1 homozygote.

Submissions (3):

Labcorp Genetics (formerly Invitae), Labcorp
Classification: Likely benign. Last evaluated: 2026-01-16. Review status: criteria provided, single submitter. Criteria: Invitae Variant Classification Sherloc (09022015). Collection method: clinical testing. Allele origin: germline.

Myriad Genetics, Inc.
Classification: Benign for Hereditary diffuse gastric adenocarcinoma. Last evaluated: 2024-10-15. Review status: criteria provided, single submitter. Criteria: Myriad Autosomal Dominant, Autosomal Recessive and X-Linked Classification Criteria (2023). Collection method: clinical testing. Allele origin: unknown.
Comment: This variant is considered benign. This variant is a silent/synonymous amino acid change and it is not expected to impact splicing.

Ambry Genetics
Classification: Likely benign for Hereditary cancer-predisposing syndrome. Last evaluated: 2022-02-12. Review status: criteria provided, single submitter. Criteria: Ambry Variant Classification Scheme 2023. Collection method: clinical testing. Allele origin: germline.

NM_001903.5(CTNNA1):c.2424T>C (p.Val808=)

Gene: CTNNA1 (catenin alpha 1; plus strand). Cytogenetic location: 5q31.2.
Variant type: single nucleotide variant.
Coding change: c.2424T>C on transcript NM_001903.5 (MANE Select); coding-DNA position 2424, T replaced by C.
Protein change: p.Val808=; no amino-acid change (valine 808 retained).
Molecular consequence: synonymous variant. On other transcripts: intron variant (1).
Genome position (GRCh38, 1-based): chr5:138,932,703, T>C. VCF-style: chr5-138932703-T-C. GRCh37 (hg19) VCF-style: chr5-138268392-T-C.
Other names: c.2424T>C, p.Val808= (NM_001290307.3, NM_001323982.2, NM_001323983.1 and 2 more transcripts); c.2115T>C, p.Val705= (NM_001290309.3); c.2055T>C, p.Val685= (NM_001290310.3); c.1314T>C, p.Val438= (NM_001290312.1, NM_001323987.1, NM_001323988.1 and 16 more transcripts); c.2331T>C, p.Val777= (NM_001323986.2); c.975T>C, p.Val325= (NM_001324006.1, NM_001324007.1, NM_001324008.1 and 2 more transcripts); c.1221T>C, p.Val407= (NM_001324011.1); c.1071T>C, p.Val357= (NM_001324012.1, NM_001324013.1); and 1 more.
Identifiers: ClinVar variation 712216 (VCV000712216.14), dbSNP rs746478233, ClinGen allele CA3432182.